The following is an entry in ClinVar:

ClinVar aggregate classification (germline): Uncertain significance (1 of 4 stars; one submission).

Conditions:
Long QT syndrome (LQTS). Identifiers: MedGen C0023976, MeSH D008133, MONDO:0002442. Disease mechanism: loss of function. Inheritance: Various modes of inheritance.

gnomAD v4.1: 1 of 1,613,844 alleles (0.000062%); no homozygotes.

Submission:

Labcorp Genetics (formerly Invitae), Labcorp
Classification: Uncertain significance for Long QT syndrome. Last evaluated: 2025-11-10. Review status: criteria provided, single submitter. Criteria: Invitae Variant Classification Sherloc (09022015). Collection method: clinical testing. Allele origin: germline.
Comment: This sequence change replaces glycine, which is neutral and non-polar, with serine, which is neutral and polar, at codon 1638 of the CACNA1C protein (p.Gly1638Ser). This variant is not present in population databases (gnomAD no frequency). This variant has not been reported in the literature in individuals affected with CACNA1C-related conditions. ClinVar contains an entry for this variant (Variation ID: 2121784). Invitae Evidence Modeling of protein sequence and biophysical properties (such as structural, functional, and spatial information, amino acid conservation, physicochemical variation, residue mobility, and thermodynamic stability) has been performed for this missense variant. However, the output from this modeling did not meet the statistical confidence thresholds required to predict the impact of this variant on CACNA1C protein function. In summary, the available evidence is currently insufficient to determine the role of this variant in disease. Therefore, it has been classified as a Variant of Uncertain Significance.

NM_000719.7(CACNA1C):c.4912G>A (p.Gly1638Ser)

Genes: CACNA1C (calcium voltage-gated channel subunit alpha1 C; plus strand), CACNA1C-AS1 (CACNA1C antisense RNA 1; minus strand). Cytogenetic location: 12p13.33.
Variant type: single nucleotide variant.
Coding change: c.4912G>A on transcript NM_000719.7 (MANE Select); coding-DNA position 4912, G replaced by A.
Protein change: p.Gly1638Ser; replaces glycine 1638 with serine.
Molecular consequence: missense variant. On other transcripts: non-coding transcript variant (1).
Genome position (GRCh38, 1-based): chr12:2,677,177, G>A. VCF-style: chr12-2677177-G-A. GRCh37 (hg19) VCF-style: chr12-2786343-G-A.
Other names: c.4912G>A, p.Gly1638Ser (NM_001129843.2, NM_001167623.2, NM_001167624.3 and 4 more transcripts); c.4903G>A, p.Gly1635Ser (NM_001129844.2); c.4879G>A, p.Gly1627Ser (NM_001129846.2, NM_001167625.2); c.5056G>A, p.Gly1686Ser (NM_199460.4, NM_001129827.2); c.5035G>A, p.Gly1679Ser (NM_001129829.2); c.4996G>A, p.Gly1666Ser (NM_001129831.2); c.4972G>A, p.Gly1658Ser (NM_001129832.2); c.4969G>A, p.Gly1657Ser (NM_001129833.2, NM_001129834.2, NM_001129835.2); and 3 more; short protein forms G1646S, G1657S, G1658S, G1627S, G1666S, G1635S, G1638S, G1655S.
Identifiers: ClinVar variation 2121784 (VCV002121784.4), dbSNP rs2531959935, ClinGen allele CA383378077.